The following is an entry in ClinVar:

NM_001384140.1(PCDH15):c.2127T>A (p.Asp709Glu)

Gene: PCDH15 (protocadherin related 15; minus strand). Cytogenetic location: 10q21.1.
Variant type: single nucleotide variant.
Coding change: c.2127T>A on transcript NM_001384140.1 (MANE Select); coding-DNA position 2127, T replaced by A.
Protein change: p.Asp709Glu; replaces aspartic acid 709 with glutamic acid.
Molecular consequence: missense variant.
Genome position (GRCh38, 1-based): chr10:54,066,850, A>T on the plus strand (T>A on the coding strand, the complement: PCDH15 is on the minus strand). VCF-style: chr10-54066850-A-T. GRCh37 (hg19) VCF-style: chr10-55826610-A-T.
Other names: c.2142T>A, p.Asp714Glu (NM_001142763.2, NM_001142771.2); c.2127T>A, p.Asp709Glu (NM_001142764.2, NM_001142766.2, NM_001142770.3 and 5 more transcripts); c.1914T>A, p.Asp638Glu (NM_001142765.2); c.2016T>A, p.Asp672Glu (NM_001142767.2); c.2061T>A, p.Asp687Glu (NM_001142768.2, NM_001142773.2, NM_001354404.2); c.2163T>A, p.Asp721Glu (NM_001142769.4); c.2148T>A, p.Asp716Glu (NM_001354411.2); short protein forms D638E, D721E, D672E, D709E, D714E, D687E, D716E.
Identifiers: ClinVar variation 1443996 (VCV001443996.7), dbSNP rs996460868, ClinGen allele CA207182072.

ClinVar aggregate classification (germline): Uncertain significance. Review status: criteria provided, multiple submitters, no conflicts (2 of 4 stars). 2 submissions from 2 submitters: Uncertain significance (2). Last evaluated 2025-10-02.

Conditions:
Inborn genetic diseases. Identifiers: MedGen C0950123, MeSH D030342.

Allele frequency attached by ClinVar (database versions not stated): gnomAD exomes below 0.00001.
gnomAD v4.1: 1 of 1,613,492 alleles (0.000062%); highest among the groups gnomAD compares: Admixed American, 0.0017%; no homozygotes.

Submissions (2):

Ambry Genetics
Classification: Uncertain significance for Inborn genetic diseases. Last evaluated: 2025-10-02. Review status: criteria provided, single submitter. Criteria: Ambry Variant Classification Scheme 2023. Collection method: clinical testing. Allele origin: germline.

Labcorp Genetics (formerly Invitae), Labcorp
Classification: Uncertain significance. Last evaluated: 2023-08-17. Review status: criteria provided, single submitter. Criteria: Invitae Variant Classification Sherloc (09022015). Collection method: clinical testing. Allele origin: germline.
Comment: In summary, the available evidence is currently insufficient to determine the role of this variant in disease. Therefore, it has been classified as a Variant of Uncertain Significance. Advanced modeling of protein sequence and biophysical properties (such as structural, functional, and spatial information, amino acid conservation, physicochemical variation, residue mobility, and thermodynamic stability) performed at Invitae indicates that this missense variant is expected to disrupt PCDH15 protein function. ClinVar contains an entry for this variant (Variation ID: 1443996). This variant has not been reported in the literature in individuals affected with PCDH15-related conditions. This variant is not present in population databases (gnomAD no frequency). This sequence change replaces aspartic acid, which is acidic and polar, with glutamic acid, which is acidic and polar, at codon 709 of the PCDH15 protein (p.Asp709Glu).